The following is an entry in ClinVar:

ClinVar aggregate classification (germline): Likely benign (1 of 4 stars; one submission).

Submission:

GeneDx
Classification: Likely benign. Last evaluated: 2018-07-15. Review status: criteria provided, single submitter. Criteria: GeneDx Variant Classification Process June 2021. Collection method: clinical testing. Allele origin: germline. Affected: yes.
Comment: See Variant Classification Assertion Criteria.

NM_000027.4(AGA):c.941-243CAA[3]

Gene: AGA (aspartylglucosaminidase; minus strand). Cytogenetic location: 4q34.3.
Variant type: Microsatellite.
Coding change: c.941-243CAA[3] on transcript NM_000027.4 (MANE Select); three copies in a row of the 3-base unit CAA starting at c.941-243; the reference has five copies in a row; two copies, 6 bases deleted.
Molecular consequence: intron variant.
Genome position (GRCh38, 1-based): chr4:177,432,037-177,432,042, TTGTTG deleted on the plus strand (CAACAA on the coding strand, the reverse complement: AGA is on the minus strand); deleting any 6 consecutive bases within chr4:177,432,037-177,432,051 gives the same sequence; the position shown is the placement nearest the transcript's 3' end. VCF-style (leftmost placement, unchanged base first): chr4-177432036-TTTGTTG-T. GRCh37 (hg19) VCF-style: chr4-178353190-TTTGTTG-T.
Other names: c.911-243CAA[3] (NM_001171988.2).
Identifiers: ClinVar variation 1707271 (VCV001707271.2), dbSNP rs374713074, ClinGen allele CA110786432.